The following is an entry in ClinVar:

ClinVar aggregate classification (germline): Uncertain significance. Review status: criteria provided, multiple submitters, no conflicts (2 of 4 stars). 2 submissions from 2 submitters: Uncertain significance (2). Last evaluated 2025-11-11.

Conditions:
Inborn genetic diseases. Identifiers: MedGen C0950123, MeSH D030342.
FAT1-related disorder. Also called: FAT1-related condition.

Allele frequency attached by ClinVar (database versions not stated): gnomAD 0.00001.
gnomAD v4.1: 2 of 1,613,834 alleles (0.00012%); highest among the groups gnomAD compares: Non-Finnish European, 0.00017%; no homozygotes.

Submissions (2):

Ambry Genetics
Classification: Uncertain significance for Inborn genetic diseases. Last evaluated: 2025-11-11. Review status: criteria provided, single submitter. Criteria: Ambry Variant Classification Scheme 2023. Collection method: clinical testing. Allele origin: germline.

PreventionGenetics, part of Exact Sciences
Classification: Uncertain significance for FAT1-related condition. Last evaluated: 2022-09-14. Review status: criteria provided, single submitter. Criteria: ACMG Guidelines, 2015. Collection method: clinical testing. Allele origin: germline.
Comment: The FAT1 c.7790G>C variant is predicted to result in the amino acid substitution p.Arg2597Pro. To our knowledge, this variant has not been reported in the literature. This variant is reported in 0.0016% of alleles in individuals of European (Non-Finnish) descent in gnomAD. At this time, the clinical significance of this variant is uncertain due to the absence of conclusive functional and genetic evidence.

NM_005245.4(FAT1):c.7790G>C (p.Arg2597Pro)

Gene: FAT1 (FAT atypical cadherin 1; minus strand). Cytogenetic location: 4q35.2.
Variant type: single nucleotide variant.
Coding change: c.7790G>C on transcript NM_005245.4 (MANE Select); coding-DNA position 7790, G replaced by C.
Protein change: p.Arg2597Pro; replaces arginine 2597 with proline.
Molecular consequence: missense variant.
Genome position (GRCh38, 1-based): chr4:186,618,796, C>G on the plus strand (G>C on the coding strand, the complement: FAT1 is on the minus strand). VCF-style: chr4-186618796-C-G. GRCh37 (hg19) VCF-style: chr4-187539950-C-G.
Other names: short protein forms R2597P.
Identifiers: ClinVar variation 2637338 (VCV002637338.2), dbSNP rs756035310, ClinGen allele CA358963982.